The following is an entry in ClinVar:

ClinVar aggregate classification (germline): Likely pathogenic (0 of 4 stars; one submission).

Conditions:
TBX6-related disorder. Also called: TBX6-related condition.

Submission:

PreventionGenetics, part of Exact Sciences
Classification: Likely pathogenic for TBX6-related condition. Last evaluated: 2024-01-19. Review status: no assertion criteria provided. Collection method: clinical testing. Allele origin: germline.
Comment: The TBX6 c.1083delT variant is predicted to result in a frameshift and premature protein termination (p.His362Thrfs*136). which is predicted to result in a frameshift and a significant extension of the normal reading frame (p.His362Thrfs*136). To our knowledge, this variant has not been reported in the literature or in a large population database, indicating this variant is rare. Protein extension variants in TBX6 were reported in individuals with scoliosis (Table S4, Zhao. 2021. PubMed ID: 32381727). This variant is interpreted as likely pathogenic.

NM_004608.4(TBX6):c.1083del (p.His362fs)

Gene: TBX6 (T-box transcription factor 6; minus strand). Cytogenetic location: 16p11.2.
Variant type: Deletion.
Coding change: c.1083del on transcript NM_004608.4 (MANE Select); coding-DNA position 1083, one base deleted (T; older notation c.1083delT).
Protein change: p.His362fs; shifts the reading frame from histidine 362.
Molecular consequence: frameshift variant.
Genome position (GRCh38, 1-based): chr16:30,086,526, A deleted on the plus strand (T on the coding strand, the reverse complement: TBX6 is on the minus strand). VCF-style (leftmost placement, unchanged base first): chr16-30086525-GA-G. GRCh37 (hg19) VCF-style: chr16-30097846-GA-G.
Other names: short protein forms H362fs.
Identifiers: ClinVar variation 3032399 (VCV003032399.2), dbSNP rs2543660247, ClinGen allele CA2740093296.